The following is an entry in ClinVar:

ClinVar aggregate classification (germline): Conflicting classifications of pathogenicity. Review status: criteria provided, conflicting classifications (1 of 4 stars). 2 submissions from 2 submitters: Uncertain significance (1); Likely benign (1). Last evaluated 2022-04-27.

Conditions:
Dilated cardiomyopathy 1G (CMD1G). Identifiers: Orphanet 154, MedGen C1858763, MONDO:0011400, OMIM 604145.
Autosomal recessive limb-girdle muscular dystrophy type 2J (LGMDR10). Also called: MUSCULAR DYSTROPHY, LIMB-GIRDLE, AUTOSOMAL RECESSIVE 10; Limb-girdle muscular dystrophy, type 2J. Identifiers: Orphanet 140922, MedGen C1837342, MONDO:0012127, OMIM 608807.

Allele frequency attached by ClinVar (database versions not stated): gnomAD exomes 0.00001; ExAC 0.00002.
gnomAD v4.1: 7 of 1,613,702 alleles (0.00043%); highest among the groups gnomAD compares: Non-Finnish European, 0.00034%; no homozygotes.

Submissions (2):

Labcorp Genetics (formerly Invitae), Labcorp
Classification: Uncertain significance for Dilated cardiomyopathy 1G; Autosomal recessive limb-girdle muscular dystrophy type 2J. Last evaluated: 2022-04-27. Review status: criteria provided, single submitter. Criteria: Invitae Variant Classification Sherloc (09022015). Collection method: clinical testing. Allele origin: germline.
Comment: This variant is present in population databases (rs777746298, gnomAD 0.005%). This variant is located in the M band of TTN (PMID: 25589632). Variants in this region may be relevant for neuromuscular disorders, but have not been definitively shown to cause cardiomyopathy (PMID: 23975875). In summary, the available evidence is currently insufficient to determine the role of this variant in disease. Therefore, it has been classified as a Variant of Uncertain Significance. Experimental studies and prediction algorithms are not available or were not evaluated, and the functional significance of this variant is currently unknown. ClinVar contains an entry for this variant (Variation ID: 680442). This variant has not been reported in the literature in individuals affected with TTN-related conditions. This sequence change replaces isoleucine, which is neutral and non-polar, with valine, which is neutral and non-polar, at codon 34423 of the TTN protein (p.Ile34423Val).

GeneDx
Classification: Likely benign. Last evaluated: 2018-03-22. Review status: criteria provided, single submitter. Criteria: GeneDx Variant Classification (06012015). Collection method: clinical testing. Allele origin: germline. Affected: yes.
Comment: This variant is considered likely benign or benign based on one or more of the following criteria: it is a conservative change, it occurs at a poorly conserved position in the protein, it is predicted to be benign by multiple in silico algorithms, and/or has population frequency not consistent with disease.

Literature cited by the submitters: PubMed 25589632 (cited by Labcorp Genetics (formerly Invitae), Labcorp); PubMed 23975875 (cited by Labcorp Genetics (formerly Invitae), Labcorp).

NM_001267550.2(TTN):c.103267A>G (p.Ile34423Val)

Genes: TTN-AS1 (TTN antisense RNA 1; plus strand), TTN (titin; minus strand). Cytogenetic location: 2q31.2.
Variant type: single nucleotide variant.
Coding change: c.103267A>G on transcript NM_001267550.2 (MANE Select); coding-DNA position 103267, A replaced by G.
Protein change: p.Ile34423Val; replaces isoleucine 34423 with valine.
Molecular consequence: missense variant.
Genome position (GRCh38, 1-based): chr2:178,533,348, T>C on the plus strand (A>G on the coding strand, the complement: TTN is on the minus strand). VCF-style: chr2-178533348-T-C. GRCh37 (hg19) VCF-style: chr2-179398075-T-C.
Other names: c.98344A>G, p.Ile32782Val (NM_001256850.1); c.76072A>G, p.Ile25358Val (NM_003319.4); c.95563A>G, p.Ile31855Val (NM_133378.4); c.76447A>G, p.Ile25483Val (NM_133432.3); c.76648A>G, p.Ile25550Val (NM_133437.4); short protein forms I25358V, I25483V, I31855V, I34423V, I25550V, I32782V.
Identifiers: ClinVar variation 680442 (VCV000680442.6), dbSNP rs777746298, ClinGen allele CA1985634.
Genomic context (GRCh38, chr2:178,533,348, plus strand): 5'-CAGCTGTGTTAGTGGCTGTGACTCTATAATAACCCGTGTCTTCAGGCAAAGTGTCCCTGA[T>C]GTGCAGAGCATAATAATCCAAGCCTTCATGGATAATTTCAATGTTAGGCCCGAGGGACAG-3'
Protein context (NP_001254479.2, residues 34413-34433): HEGLDYYALH[Ile34423Val]RDTLPEDTGY